The following is an entry in ClinVar:

NM_007327.4(GRIN1):c.1108A>G (p.Thr370Ala)

Gene: GRIN1 (glutamate ionotropic receptor NMDA type subunit 1; plus strand). Cytogenetic location: 9q34.3.
Variant type: single nucleotide variant.
Coding change: c.1108A>G on transcript NM_007327.4 (MANE Select); coding-DNA position 1108, A replaced by G.
Protein change: p.Thr370Ala; replaces threonine 370 with alanine.
Molecular consequence: missense variant.
Genome position (GRCh38, 1-based): chr9:137,158,518, A>G. VCF-style: chr9-137158518-A-G. GRCh37 (hg19) VCF-style: chr9-140052970-A-G.
Other names: c.1108A>G, p.Thr370Ala (NM_000832.7, NM_021569.4); c.1171A>G, p.Thr391Ala (NM_001185090.2, NM_001185091.2); short protein forms T370A, T391A.
Identifiers: ClinVar variation 493503 (VCV000493503.50), dbSNP rs746527135, ClinGen allele CA375715596.

ClinVar aggregate classification (germline): Conflicting classifications of pathogenicity. Review status: criteria provided, conflicting classifications (1 of 4 stars). 3 submissions from 3 submitters: Uncertain significance (2); Benign (1). Last evaluated 2025-11-12.

Conditions:
Neurodevelopmental disorder with or without hyperkinetic movements and seizures, autosomal dominant. Also called: Intellectual disability, autosomal dominant 8. Identifiers: MedGen C3280282, MONDO:0013655, OMIM 614254.

Allele frequency attached by ClinVar (database versions not stated): TOPMed below 0.00001; gnomAD 0.00001; gnomAD exomes 0.00001.
gnomAD v4.1: 7 of 1,611,974 alleles (0.00043%); highest among the groups gnomAD compares: Non-Finnish European, 0.00059%; no homozygotes.

Submissions (3):

Women's Health and Genetics/Laboratory Corporation of America, LabCorp
Classification: Uncertain significance. Last evaluated: 2025-11-12. Review status: criteria provided, single submitter. Criteria: LabCorp Variant Classification Summary - May 2015. Collection method: clinical testing. Allele origin: germline.
Comment: Variant summary: GRIN1 c.1108A>G (p.Thr370Ala) results in a non-conservative amino acid change in the encoded protein sequence. Algorithms developed to predict the effect of missense changes on protein structure and function are either unavailable or do not agree on the potential impact of this missense change. The variant was absent in 250050 control chromosomes. The available data on variant occurrences in the general population are insufficient to allow any conclusion about variant significance. To our knowledge, no occurrence of c.1108A>G in individuals affected with GRIN1-related conditions and no experimental evidence demonstrating its impact on protein function have been reported. ClinVar contains an entry for this variant (Variation ID: 493503). Based on the evidence outlined above, the variant was classified as uncertain significance.

CeGaT Center for Human Genetics Tuebingen
Classification: Uncertain significance. Last evaluated: 2023-10-01. Review status: criteria provided, single submitter. Criteria: CeGaT Center For Human Genetics Tuebingen Variant Classification Criteria Version 2. Collection method: clinical testing. Allele origin: germline. Affected: yes. Observed: 2 variant alleles.
Comment: GRIN1: PP2

Labcorp Genetics (formerly Invitae), Labcorp
Classification: Benign for Neurodevelopmental disorder with or without hyperkinetic movements and seizures, autosomal dominant. Last evaluated: 2023-01-20. Review status: criteria provided, single submitter. Criteria: Invitae Variant Classification Sherloc (09022015). Collection method: clinical testing. Allele origin: germline.